The following is an entry in ClinVar:

NM_001126108.2(SLC12A3):c.1196G>T (p.Arg399Leu)

Gene: SLC12A3 (solute carrier family 12 member 3; plus strand). Cytogenetic location: 16q13.
Variant type: single nucleotide variant.
Coding change: c.1196G>T on transcript NM_001126108.2 (MANE Select); coding-DNA position 1196, G replaced by T.
Protein change: p.Arg399Leu; replaces arginine 399 with leucine.
Molecular consequence: missense variant.
Genome position (GRCh38, 1-based): chr16:56,879,088, G>T. VCF-style: chr16-56879088-G-T. GRCh37 (hg19) VCF-style: chr16-56913000-G-T.
Other names: c.1196G>T, p.Arg399Leu (NM_000339.3); c.1193G>T, p.Arg398Leu (NM_001126107.2); short protein forms R399L, R398L.
Identifiers: ClinVar variation 381528 (VCV000381528.23), dbSNP rs13306668, ClinGen allele CA8069399.

ClinVar aggregate classification (germline): Pathogenic/Likely pathogenic. Review status: criteria provided, multiple submitters, no conflicts (2 of 4 stars). 5 submissions from 5 submitters: Pathogenic (2); Likely pathogenic (3). Last evaluated 2025-06-23.

Conditions:
Familial hypokalemia-hypomagnesemia (GTLMNS). Also called: HYPOMAGNESEMIA-HYPOKALEMIA, PRIMARY RENOTUBULAR, WITH HYPOCALCIURIA; gitelman syndrome; POTASSIUM AND MAGNESIUM DEPLETION. Identifiers: Orphanet 358, MedGen C0268450, MONDO:0009904, OMIM 263800.

Allele frequency attached by ClinVar (database versions not stated): TOPMed 0.00002.
gnomAD v4.1: 54 of 1,611,700 alleles (0.0034%); highest among the groups gnomAD compares: South Asian, 0.0077%; no homozygotes.

Submissions (5):

Victorian Clinical Genetics Services, Murdoch Childrens Research Institute
Classification: Pathogenic for Familial hypokalemia-hypomagnesemia. Last evaluated: 2025-06-23. Review status: criteria provided, single submitter. Criteria: ACMG Guidelines, 2015. Collection method: clinical testing. Allele origin: germline. Affected: yes.
Comment: This variant is classified as Pathogenic. Evidence in support of pathogenic classification: Variant is present in gnomAD <0.01 for a recessive condition (v4: 54 heterozygote(s), 0 homozygote(s)); This variant has strong previous evidence of pathogenicity in unrelated individuals. This variant has been classified as pathogenic/likely pathogenic by clinical laboratories in ClinVar, and reported in the literature in a heterozygous or compound heterozygous state in individuals with Gitelman syndrome (PMIDs: 18391953, 23328711); Other missense variants comparable to the one identified in this case have very strong previous evidence for pathogenicity. The p.(Arg399Cys), p.(Arg399Gly), and p.(Arg399Pro) variants have been classified as pathogenic/likely pathogenic by clinical laboratories in ClinVar. Additional information: Variant is predicted to result in a missense amino acid change from arginine to leucine; This variant is heterozygous; This gene is associated with autosomal recessive disease; Variant is located in the annotated amino acid permease domain (DECIPHER); Missense variant with inconclusive in silico prediction and uninformative conservation; Loss of function is a known mechanism of disease in this gene and is associated with Gitelman syndrome (MIM#263800); Inheritance information for this variant is not currently available in this individual.

Natera, Inc.
Classification: Likely pathogenic for Gitelman syndrome. Last evaluated: 2025-02-19. Review status: criteria provided, single submitter. Criteria: Natera Variant Classification Schema (03/2026). Collection method: clinical testing. Allele origin: germline.
Comment: The c.1196G>T variant in SLC12A3 is a missense variant predicted to cause substitution of arginine to leucine at amino acid 399. This variant is rare in the general population with a frequency below the threshold expected for the associated phenotype(s). This variant has been observed in one or more individuals affected with the associated recessive disease, as either homozygous or compound heterozygous with a second variant (PMID: 23328711, 18391953). Additionally, this variant has been observed to segregate in affected family members (PMID: 23328711). A different variant at the same position has been determined to be Pathogenic or Likely Pathogenic. Computational prediction algorithms indicate this variant is likely to affect gene or protein function. Given the available evidence, this variant is classified as Likely Pathogenic.

Labcorp Genetics (formerly Invitae), Labcorp
Classification: Pathogenic. Last evaluated: 2024-03-05. Review status: criteria provided, single submitter. Criteria: Invitae Variant Classification Sherloc (09022015). Collection method: clinical testing. Allele origin: germline.
Comment: This sequence change replaces arginine, which is basic and polar, with leucine, which is neutral and non-polar, at codon 399 of the SLC12A3 protein (p.Arg399Leu). This variant is present in population databases (rs13306668, gnomAD 0.01%). This missense change has been observed in individuals with Gitelman syndrome (PMID: 18391953, 23328711). ClinVar contains an entry for this variant (Variation ID: 381528). Advanced modeling of protein sequence and biophysical properties (such as structural, functional, and spatial information, amino acid conservation, physicochemical variation, residue mobility, and thermodynamic stability) performed at Invitae indicates that this missense variant is expected to disrupt SLC12A3 protein function with a positive predictive value of 95%. This variant disrupts the p.Arg399 amino acid residue in SLC12A3. Other variant(s) that disrupt this residue have been determined to be pathogenic (PMID: 11168953, 17414160, 18391953, 25165177, 26121437). This suggests that this residue is clinically significant, and that variants that disrupt this residue are likely to be disease-causing. For these reasons, this variant has been classified as Pathogenic.

GeneDx
Classification: Likely pathogenic. Last evaluated: 2023-01-24. Review status: criteria provided, single submitter. Criteria: GeneDx Variant Classification Process June 2021. Collection method: clinical testing. Allele origin: germline. Affected: yes.
Comment: In silico analysis supports that this missense variant has a deleterious effect on protein structure/function; This variant is associated with the following publications: (PMID: 23328711, 18391953)

Fulgent Genetics
Classification: Likely pathogenic for Familial hypokalemia-hypomagnesemia. Last evaluated: 2021-12-27. Review status: criteria provided, single submitter. Criteria: ACMG Guidelines, 2015. Collection method: clinical testing. Allele origin: unknown.

Literature cited by the submitters: PubMed 18391953 (cited by 3 submitters); PubMed 23328711 (cited by 3 submitters); PubMed 11168953 (cited by Labcorp Genetics (formerly Invitae), Labcorp); PubMed 17414160 (cited by Labcorp Genetics (formerly Invitae), Labcorp); PubMed 25165177 (cited by Labcorp Genetics (formerly Invitae), Labcorp); PubMed 26121437 (cited by Labcorp Genetics (formerly Invitae), Labcorp).